The following is an entry in ClinVar:

ClinVar aggregate classification (germline): Uncertain significance (1 of 4 stars; one submission).

Allele frequency attached by ClinVar (database versions not stated): TOPMed below 0.00001; ExAC 0.00001.
gnomAD v4.1: 1 of 1,611,834 alleles (0.000062%); highest among the groups gnomAD compares: Admixed American, 0.0017%; no homozygotes.

Submission:

Labcorp Genetics (formerly Invitae), Labcorp
Classification: Uncertain significance. Last evaluated: 2025-07-24. Review status: criteria provided, single submitter. Criteria: Invitae Variant Classification Sherloc (09022015). Collection method: clinical testing. Allele origin: germline.
Comment: This sequence change replaces aspartic acid, which is acidic and polar, with asparagine, which is neutral and polar, at codon 319 of the EPHA4 protein (p.Asp319Asn). This variant is present in population databases (rs747169432, gnomAD 0.003%). This variant has not been reported in the literature in individuals affected with EPHA4-related conditions. ClinVar contains an entry for this variant (Variation ID: 2960513). Invitae Evidence Modeling of protein sequence and biophysical properties (such as structural, functional, and spatial information, amino acid conservation, physicochemical variation, residue mobility, and thermodynamic stability) has been performed for this missense variant. However, the output from this modeling did not meet the statistical confidence thresholds required to predict the impact of this variant on EPHA4 protein function. In summary, the available evidence is currently insufficient to determine the role of this variant in disease. Therefore, it has been classified as a Variant of Uncertain Significance.

NM_004438.5(EPHA4):c.955G>A (p.Asp319Asn)

Gene: EPHA4 (EPH receptor A4; minus strand). Cytogenetic location: 2q36.1.
Variant type: single nucleotide variant.
Coding change: c.955G>A on transcript NM_004438.5 (MANE Select); coding-DNA position 955, G replaced by A.
Protein change: p.Asp319Asn; replaces aspartic acid 319 with asparagine.
Molecular consequence: missense variant.
Genome position (GRCh38, 1-based): chr2:221,501,041, C>T on the plus strand (G>A on the coding strand, the complement: EPHA4 is on the minus strand). VCF-style: chr2-221501041-C-T. GRCh37 (hg19) VCF-style: chr2-222365761-C-T.
Other names: c.955G>A, p.Asp319Asn (NM_001304536.2, NM_001363748.2); c.802G>A, p.Asp268Asn (NM_001304537.2); short protein forms D268N, D319N.
Identifiers: ClinVar variation 2960513 (VCV002960513.3), dbSNP rs747169432, ClinGen allele CA2135147.